The following is an entry in ClinVar:

NM_004369.4(COL6A3):c.289C>T (p.Arg97Cys)

Gene: COL6A3 (collagen type VI alpha 3 chain; minus strand). Cytogenetic location: 2q37.3.
Variant type: single nucleotide variant.
Coding change: c.289C>T on transcript NM_004369.4 (MANE Select); coding-DNA position 289, C replaced by T.
Protein change: p.Arg97Cys; replaces arginine 97 with cysteine.
Molecular consequence: missense variant. On other transcripts: intron variant (4).
Genome position (GRCh38, 1-based): chr2:237,395,007, G>A on the plus strand (C>T on the coding strand, the complement: COL6A3 is on the minus strand). VCF-style: chr2-237395007-G-A. GRCh37 (hg19) VCF-style: chr2-238303650-G-A.
Other names: c.91+1720C>T (NM_057166.5, NM_057167.4, NM_057164.5 and 1 more transcripts); short protein forms R97C.
Identifiers: ClinVar variation 655799 (VCV000655799.11), dbSNP rs144651558, ClinGen allele CA2189897.
Genomic context (GRCh38, chr2:237,395,007, plus strand): 5'-GATTGGTTCCCCCAATATAAGACATGTTGGAAATATGAGAAAGGACTTCTTGTTTAGTAC[G>A]ATACGTATTTAACAGGAACTCGGTATGTGGGTTTCCGTTGAACTGGACCAGAGCAAAATG-3'
Protein context (NP_004360.2, residues 87-107): PHTEFLLNTY[Arg97Cys]TKQEVLSHIS

ClinVar aggregate classification (germline): Conflicting classifications of pathogenicity. Review status: criteria provided, conflicting classifications (1 of 4 stars). 3 submissions from 3 submitters: Uncertain significance (2); Benign (1). Last evaluated 2025-06-12.

Conditions:
Bethlem myopathy 1A. Also called: Bethlem Muscular Dystrophy; Bethlem myopathy 1; MYOPATHY, BENIGN CONGENITAL, WITH CONTRACTURES. Identifiers: Orphanet 610, MedGen CN029274, MONDO:0024530, OMIM 158810.

Allele frequency attached by ClinVar (database versions not stated): gnomAD 0.00013; ESP Exome Variant Server 0.00015; TOPMed 0.00016.
gnomAD v4.1: 105 of 1,614,084 alleles (0.0065%); highest among the groups gnomAD compares: African/African-American, 0.02%; no homozygotes.

Submissions (3):

Labcorp Genetics (formerly Invitae), Labcorp
Classification: Benign for Bethlem myopathy 1A. Last evaluated: 2025-06-12. Review status: criteria provided, single submitter. Criteria: Invitae Variant Classification Sherloc (09022015). Collection method: clinical testing. Allele origin: germline.

Women's Health and Genetics/Laboratory Corporation of America, LabCorp
Classification: Uncertain significance. Last evaluated: 2025-06-05. Review status: criteria provided, single submitter. Criteria: LabCorp Variant Classification Summary - May 2015. Collection method: clinical testing. Allele origin: germline.
Comment: Variant summary: COL6A3 c.289C>T (p.Arg97Cys) results in a non-conservative amino acid change in the encoded protein sequence. Algorithms developed to predict the effect of missense changes on protein structure and function are either unavailable or do not agree on the potential impact of this missense change. The variant allele was found at a frequency of 3.6e-05 in 251384 control chromosomes. The available data on variant occurrences in the general population are insufficient to allow any conclusion about variant significance. To our knowledge, no occurrence of c.289C>T in individuals affected with Ullrich congenital muscular dystrophy 1-AR and no experimental evidence demonstrating its impact on protein function have been reported. ClinVar contains an entry for this variant (Variation ID: 655799). Based on the evidence outlined above, the variant was classified as uncertain significance.

Revvity Omics, Revvity
Classification: Uncertain significance. Last evaluated: 2024-12-27. Review status: criteria provided, single submitter. Criteria: ACMG Guidelines, 2015. Collection method: clinical testing. Allele origin: germline.